The following is an entry in ClinVar:

NM_004333.6(BRAF):c.1889A>G (p.Lys630Arg)

Gene: BRAF (B-Raf proto-oncogene, serine/threonine kinase; minus strand). Cytogenetic location: 7q34.
Variant type: single nucleotide variant.
Coding change: c.1889A>G on transcript NM_004333.6 (MANE Select); coding-DNA position 1889, A replaced by G.
Protein change: p.Lys630Arg; replaces lysine 630 with arginine.
Molecular consequence: missense variant.
Genome position (GRCh38, 1-based): chr7:140,749,390, T>C on the plus strand (A>G on the coding strand, the complement: BRAF is on the minus strand). VCF-style: chr7-140749390-T-C. GRCh37 (hg19) VCF-style: chr7-140449190-T-C.
Other names: c.1889A>G, p.Lys630Arg (NM_001354609.2, NM_001378468.1, NM_001378474.1); c.2009A>G, p.Lys670Arg (NM_001374244.1, NM_001374258.1); c.1898A>G, p.Lys633Arg (NM_001378467.1); c.1823A>G, p.Lys608Arg (NM_001378469.1); c.1787A>G, p.Lys596Arg (NM_001378470.1); c.1778A>G, p.Lys593Arg (NM_001378471.1); c.1733A>G, p.Lys578Arg (NM_001378472.1, NM_001378473.1); c.1625A>G, p.Lys542Arg (NM_001378475.1); short protein forms K542R, K596R, K670R, K578R, K593R, K608R, K630R, K633R.
Identifiers: ClinVar variation 917756 (VCV000917756.1), dbSNP rs1797604920, ClinGen allele CA369541186.

ClinVar aggregate classification (germline): Uncertain significance (1 of 4 stars; one submission).

Submission:

Women's Health and Genetics/Laboratory Corporation of America, LabCorp
Classification: Uncertain significance. Last evaluated: 2020-04-06. Review status: criteria provided, single submitter. Criteria: LabCorp Variant Classification Summary - May 2015. Collection method: clinical testing. Allele origin: germline.
Comment: Variant summary: BRAF c.1889A>G (p.Lys630Arg) results in a conservative amino acid change located in the Protein kinase domain (IPR000719) of the encoded protein sequence. Three of five in-silico tools predict a benign effect of the variant on protein function. The variant was absent in 250554 control chromosomes (gnomAD). The available data on variant occurrences in the general population are insufficient to allow any conclusion about variant significance. To our knowledge, no occurrence of c.1889A>G in individuals affected with Noonan Syndrome and Related Conditions and no experimental evidence demonstrating its impact on protein function have been reported. No clinical diagnostic laboratories have submitted clinical-significance assessments for this variant to ClinVar after 2014. Based on the evidence outlined above, the variant was classified as uncertain significance.